The following is an entry in ClinVar:

ClinVar aggregate classification (germline): Uncertain significance (1 of 4 stars; one submission).

Conditions:
Ataxia-telangiectasia syndrome (AT). Also called: AT, COMPLEMENTATION GROUP C; Ataxia-telangiectasia, complementation group D; ATAXIA-TELANGIECTASIA, COMPLEMENTATION GROUP A; ATAXIA-TELANGIECTASIA, FRESNO VARIANT; Ataxia-telangiectasia; Ataxia telangiectasia (A-T). Identifiers: Orphanet 100, MedGen C0004135, MONDO:0008840, OMIM 208900.

Submission:

Labcorp Genetics (formerly Invitae), Labcorp
Classification: Uncertain significance for Ataxia-telangiectasia syndrome. Last evaluated: 2023-07-12. Review status: criteria provided, single submitter. Criteria: Invitae Variant Classification Sherloc (09022015). Collection method: clinical testing. Allele origin: germline.
Comment: In summary, the available evidence is currently insufficient to determine the role of this variant in disease. Therefore, it has been classified as a Variant of Uncertain Significance. An algorithm developed to predict the effect of missense changes on protein structure and function (PolyPhen-2) suggests that this variant is likely to be tolerated. This variant has not been reported in the literature in individuals affected with ATM-related conditions. This variant is not present in population databases (gnomAD no frequency). This sequence change replaces threonine, which is neutral and polar, with asparagine, which is neutral and polar, at codon 1200 of the ATM protein (p.Thr1200Asn).

NM_000051.4(ATM):c.3599C>A (p.Thr1200Asn)

Gene: ATM (ATM serine/threonine kinase; plus strand). Cytogenetic location: 11q22.3.
Variant type: single nucleotide variant.
Coding change: c.3599C>A on transcript NM_000051.4 (MANE Select); coding-DNA position 3599, C replaced by A.
Protein change: p.Thr1200Asn; replaces threonine 1200 with asparagine.
Molecular consequence: missense variant.
Genome position (GRCh38, 1-based): chr11:108,282,732, C>A. VCF-style: chr11-108282732-C-A. GRCh37 (hg19) VCF-style: chr11-108153459-C-A.
Other names: c.3599C>A, p.Thr1200Asn (NM_001351834.2); short protein forms T1200N.
Identifiers: ClinVar variation 2742108 (VCV002742108.3), dbSNP rs2546878907, ClinGen allele CA382522650.